The following is an entry in ClinVar:

ClinVar aggregate classification (germline): Uncertain significance (1 of 4 stars; one submission).

Conditions:
Costello syndrome (CSTLO). Also called: FCS SYNDROME; FACIOCUTANEOSKELETAL SYNDROME; HRAS-Related Costello Syndrome. Identifiers: Orphanet 3071, MedGen C0587248, MONDO:0009026, OMIM 218040.

Allele frequency attached by ClinVar (database versions not stated): gnomAD exomes below 0.00001.
gnomAD v4.1: 2 of 1,613,844 alleles (0.00012%); highest among the groups gnomAD compares: East Asian, 0.0022%; no homozygotes.

Submission:

Labcorp Genetics (formerly Invitae), Labcorp
Classification: Uncertain significance for Costello syndrome. Last evaluated: 2021-04-20. Review status: criteria provided, single submitter. Criteria: Invitae Variant Classification Sherloc (09022015). Collection method: clinical testing. Allele origin: germline.
Comment: In summary, the available evidence is currently insufficient to determine the role of this variant in disease. Therefore, it has been classified as a Variant of Uncertain Significance. Advanced modeling of protein sequence and biophysical properties (such as structural, functional, and spatial information, amino acid conservation, physicochemical variation, residue mobility, and thermodynamic stability) performed at Invitae indicates that this missense variant is not expected to disrupt HRAS protein function. This variant has not been reported in the literature in individuals with HRAS-related conditions. This variant is not present in population databases (ExAC no frequency). This sequence change replaces valine with methionine at codon 109 of the HRAS protein (p.Val109Met). The valine residue is highly conserved and there is a small physicochemical difference between valine and methionine.

NM_005343.4(HRAS):c.325G>A (p.Val109Met)

Genes: HRAS (HRas proto-oncogene, GTPase; minus strand), LRRC56 (leucine rich repeat containing 56; plus strand). Cytogenetic location: 11p15.5.
Variant type: single nucleotide variant.
Coding change: c.325G>A on transcript NM_005343.4 (MANE Select); coding-DNA position 325, G replaced by A.
Protein change: p.Val109Met; replaces valine 109 with methionine.
Molecular consequence: missense variant. On other transcripts: synonymous variant (1).
Genome position (GRCh38, 1-based): chr11:533,578, C>T on the plus strand (G>A on the coding strand, the complement: HRAS is on the minus strand). VCF-style: chr11-533578-C-T. GRCh37 (hg19) VCF-style: chr11-533578-C-T.
Other names: c.325G>A, p.Val109Met (NM_001130442.3, NM_176795.5); c.6G>A, p.Thr2= (NM_001318054.2); short protein forms V109M.
Identifiers: ClinVar variation 1403670 (VCV001403670.8), dbSNP rs1342261234, ClinGen allele CA378923673.